The following is an entry in ClinVar:

ClinVar aggregate classification (germline): Conflicting classifications of pathogenicity. Review status: criteria provided, conflicting classifications (1 of 4 stars). 4 submissions from 4 submitters: Uncertain significance (2); Likely benign (1). 1 of the submissions does not count toward it. Last evaluated 2023-02-20.

Conditions:
HYPERHOMOCYSTEINEMIA, THROMBOTIC, CBS-RELATED. Identifiers: MedGen C3150344, OMIM 236200.
Familial thoracic aortic aneurysm and aortic dissection (TAAD). Also called: Thoracic aortic aneurysms and dissections. Identifiers: Orphanet 91387, MedGen C4707243, MONDO:0019625.
Classic homocystinuria. Also called: HOMOCYSTINURIA WITH OR WITHOUT RESPONSE TO PYRIDOXINE; Homocystinuria due to Cystathionine Beta-Synthase Deficiency; Homocystinuria due to CBS deficiency; Cystathionine beta-synthase deficiency; CBS deficiency. Identifiers: Orphanet 394, MedGen C0751202, MONDO:0009352, OMIM 236200.

Allele frequency attached by ClinVar (database versions not stated): gnomAD exomes 0.00001; ExAC 0.00002.

Submissions (4):

Ambry Genetics
Classification: Likely benign for Familial thoracic aortic aneurysm and aortic dissection. Last evaluated: 2023-02-20. Review status: criteria provided, single submitter. Criteria: Ambry Variant Classification Scheme 2023. Collection method: clinical testing. Allele origin: germline.

Labcorp Genetics (formerly Invitae), Labcorp
Classification: Uncertain significance for HYPERHOMOCYSTEINEMIA, THROMBOTIC, CBS-RELATED. Last evaluated: 2021-09-02. Review status: criteria provided, single submitter. Criteria: Invitae Variant Classification Sherloc (09022015). Collection method: clinical testing. Allele origin: germline.
Comment: This sequence change replaces serine with leucine at codon 23 of the CBS protein (p.Ser23Leu). The serine residue is weakly conserved and there is a large physicochemical difference between serine and leucine. This variant is present in population databases (rs775785018, ExAC 0.01%). This variant has not been reported in the literature in individuals affected with CBS-related conditions. Algorithms developed to predict the effect of missense changes on protein structure and function output the following: SIFT: "Tolerated"; PolyPhen-2: "Benign"; Align-GVGD: "Class C0". The leucine amino acid residue is found in multiple mammalian species, which suggests that this missense change does not adversely affect protein function. In summary, the available evidence is currently insufficient to determine the role of this variant in disease. Therefore, it has been classified as a Variant of Uncertain Significance.

GeneDx
Classification: Uncertain significance. Last evaluated: 2020-06-19. Review status: criteria provided, single submitter. Criteria: GeneDx Variant Classification Process June 2021. Collection method: clinical testing. Allele origin: germline. Affected: yes.
Comment: Not observed at a significant frequency in large population cohorts (Lek et al., 2016); In silico analysis supports that this missense variant does not alter protein structure/function; Has not been previously published as pathogenic or benign to our knowledge

Natera, Inc.
Classification: Uncertain significance for Homocystinuria due to cystathionine beta-synthase deficiency. Last evaluated: 2020-01-17. Review status: no assertion criteria provided. Collection method: clinical testing. Allele origin: germline. Not counted in ClinVar's aggregate classification.

NM_000071.3(CBS):c.68C>T (p.Ser23Leu)

Gene: CBS (cystathionine beta-synthase; minus strand). Cytogenetic location: 21q22.3.
Variant type: single nucleotide variant.
Coding change: c.68C>T on transcript NM_000071.3 (MANE Select); coding-DNA position 68, C replaced by T.
Protein change: p.Ser23Leu; replaces serine 23 with leucine.
Molecular consequence: missense variant.
Genome position (GRCh38, 1-based): chr21:43,072,126, G>A on the plus strand (C>T on the coding strand, the complement: CBS is on the minus strand). VCF-style: chr21-43072126-G-A. GRCh37 (hg19) VCF-style: chr21-44492236-G-A.
Other names: c.68C>T, p.Ser23Leu (NM_001178008.3, NM_001178009.3, NM_001320298.2); short protein forms S23L.
Identifiers: ClinVar variation 644516 (VCV000644516.11), dbSNP rs775785018, ClinGen allele CA321104075.